The following is an entry in ClinVar:

ClinVar aggregate classification (germline): Likely benign (1 of 4 stars; one submission).

Submission:

CeGaT Center for Human Genetics Tuebingen
Classification: Likely benign. Last evaluated: 2026-04-01. Review status: criteria provided, single submitter. Criteria: CeGaT Center For Human Genetics Tuebingen Variant Classification Criteria Version 2. Collection method: clinical testing. Allele origin: germline. Affected: yes. Observed: 1 variant allele.
Comment: SPDYE3: BP4, BP7

NM_001004351.5(SPDYE3):c.891G>A (p.Ala297=)

Gene: SPDYE3 (speedy/RINGO cell cycle regulator family member E3; plus strand). Cytogenetic location: 7q22.1.
Variant type: single nucleotide variant.
Coding change: c.891G>A on transcript NM_001004351.5 (MANE Select); coding-DNA position 891, G replaced by A.
Protein change: p.Ala297=; no amino-acid change (alanine 297 retained).
Molecular consequence: synonymous variant.
Genome position (GRCh38, 1-based): chr7:100,313,267, G>A. VCF-style: chr7-100313267-G-A. GRCh37 (hg19) VCF-style: chr7-99910890-G-A.
Identifiers: ClinVar variation 4873398 (VCV004873398.2).